The following is an entry in ClinVar:

NM_018122.5(DARS2):c.1241T>C (p.Val414Ala)

Gene: DARS2 (aspartyl-tRNA synthetase 2, mitochondrial; plus strand). Cytogenetic location: 1q25.1.
Variant type: single nucleotide variant.
Coding change: c.1241T>C on transcript NM_018122.5 (MANE Select); coding-DNA position 1241, T replaced by C.
Protein change: p.Val414Ala; replaces valine 414 with alanine.
Molecular consequence: missense variant. On other transcripts: intron variant (1).
Genome position (GRCh38, 1-based): chr1:173,850,376, T>C. VCF-style: chr1-173850376-T-C. GRCh37 (hg19) VCF-style: chr1-173819514-T-C.
Other names: p.Val414Ala; c.1241T>C, p.Val414Ala (NM_001365213.2); c.1192-2973T>C (NM_001365212.1); short protein forms V414A.
Identifiers: ClinVar variation 875553 (VCV000875553.11), dbSNP rs376973272, ClinGen allele CA1250375.
Genomic context (GRCh38, chr1:173,850,376, plus strand): 5'-CTTTTACACAGGAAATCTTACCTGTATTCCTTAACGCCAATAGAAACTGGAATTCTCCAG[T>C]TGCTAATTTCATAATGGAGTCACAAAGACTGGAATTAATCAGACTAATGGAGACCCAAGA-3'
Protein context (NP_060592.2, residues 404-424): LNANRNWNSP[Val414Ala]ANFIMESQRL

ClinVar aggregate classification (germline): Uncertain significance. Review status: criteria provided, multiple submitters, no conflicts (2 of 4 stars). 5 submissions from 5 submitters: Uncertain significance (5). Last evaluated 2025-09-26.

Conditions:
Inborn genetic diseases. Identifiers: MedGen C0950123, MeSH D030342.
Leukoencephalopathy with brain stem and spinal cord involvement-high lactate syndrome (LBSL). Also called: LEUKOENCEPHALOPATHY WITH BRAINSTEM AND SPINAL CORD INVOLVEMENT AND LACTATE ELEVATION, MILD; Leukoencephalopathy with Brainstem and Spinal Cord Involvement and Lactate Elevation; MITOCHONDRIAL ASPARTYL-tRNA SYNTHETASE DEFICIENCY. Identifiers: Orphanet 137898, MedGen C1970180, MONDO:0012622, OMIM 611105.

Allele frequency attached by ClinVar (database versions not stated): ESP Exome Variant Server 0.00008; gnomAD exomes 0.00010 and 0.00023; TOPMed 0.00011; ExAC 0.00012; gnomAD 0.00013 and 0.00014.
gnomAD v4.1: 369 of 1,613,556 alleles (0.023%); highest among the groups gnomAD compares: Non-Finnish European, 0.028%; no homozygotes.

Submissions (5):

Mayo Clinic Laboratories, Mayo Clinic
Classification: Uncertain significance. Last evaluated: 2025-09-26. Review status: criteria provided, single submitter. Criteria: ACMG Guidelines, 2015. Collection method: clinical testing. Allele origin: germline. Observed: 1 variant allele.
Comment: BP4

Labcorp Genetics (formerly Invitae), Labcorp
Classification: Uncertain significance. Last evaluated: 2023-11-27. Review status: criteria provided, single submitter. Criteria: Invitae Variant Classification Sherloc (09022015). Collection method: clinical testing. Allele origin: germline.
Comment: This sequence change replaces valine, which is neutral and non-polar, with alanine, which is neutral and non-polar, at codon 414 of the DARS2 protein (p.Val414Ala). This variant is present in population databases (rs376973272, gnomAD 0.02%). This variant has not been reported in the literature in individuals affected with DARS2-related conditions. ClinVar contains an entry for this variant (Variation ID: 875553). Advanced modeling of protein sequence and biophysical properties (such as structural, functional, and spatial information, amino acid conservation, physicochemical variation, residue mobility, and thermodynamic stability) performed at Invitae indicates that this missense variant is expected to disrupt DARS2 protein function with a positive predictive value of 80%. In summary, the available evidence is currently insufficient to determine the role of this variant in disease. Therefore, it has been classified as a Variant of Uncertain Significance.

Ambry Genetics
Classification: Uncertain significance for Inborn genetic diseases. Last evaluated: 2023-08-08. Review status: criteria provided, single submitter. Criteria: Ambry Variant Classification Scheme 2023. Collection method: clinical testing. Allele origin: germline.

Genome-Nilou Lab
Classification: Uncertain significance for Leukoencephalopathy with brain stem and spinal cord involvement-high lactate syndrome. Last evaluated: 2023-04-11. Review status: criteria provided, single submitter. Criteria: ACMG Guidelines, 2015. Collection method: clinical testing. Allele origin: germline. Affected: no.

Illumina Laboratory Services, Illumina
Classification: Uncertain significance for Leukoencephalopathy with brain stem and spinal cord involvement-high lactate syndrome. Last evaluated: 2018-01-13. Review status: criteria provided, single submitter. Criteria: ICSL Variant Classification Criteria 13 December 2019. Collection method: clinical testing. Allele origin: germline.